The following is an entry in ClinVar:

NM_001111.5(ADAR):c.3286C>G (p.Arg1096Gly)

Gene: ADAR (adenosine deaminase RNA specific; minus strand). Cytogenetic location: 1q21.3.
Variant type: single nucleotide variant.
Coding change: c.3286C>G on transcript NM_001111.5 (MANE Select); coding-DNA position 3286, C replaced by G.
Protein change: p.Arg1096Gly; replaces arginine 1096 with glycine.
Molecular consequence: missense variant.
Genome position (GRCh38, 1-based): chr1:154,585,782, G>C on the plus strand (C>G on the coding strand, the complement: ADAR is on the minus strand). VCF-style: chr1-154585782-G-C. GRCh37 (hg19) VCF-style: chr1-154558258-G-C.
Other names: c.2401C>G, p.Arg801Gly (NM_001025107.3, NM_001193495.2, NM_001365046.1 and 2 more transcripts); c.3313C>G, p.Arg1105Gly (NM_001365045.1); c.2323C>G, p.Arg775Gly (NM_001365049.1); c.3208C>G, p.Arg1070Gly (NM_015840.4); c.3151C>G, p.Arg1051Gly (NM_015841.4); short protein forms R1051G, R1105G, R775G, R1070G, R801G, R1096G.
Identifiers: ClinVar variation 1417481 (VCV001417481.6), dbSNP rs769148365, ClinGen allele CA342635312.
Genomic context (GRCh38, chr1:154,585,782, plus strand): 5'-TGTCAGGGAAAATAGAAGGGGGTTATAGCACCTTGGGGTGGTTGACAATAAAGGGATGTC[G>C]TAGTCCATCCTCAAATGCACTCCCATCTCTTGTCACACGACAGCAAATAGCACGGGTCAG-3'
Protein context (NP_001102.3, residues 1086-1106): RDGSAFEDGL[Arg1096Gly]HPFIVNHPKV

ClinVar aggregate classification (germline): Uncertain significance (1 of 4 stars; one submission).

Conditions:
Aicardi-Goutieres syndrome 6 (AGS6). Identifiers: Orphanet 51, MedGen C3539013, MONDO:0014007, OMIM 615010.
Symmetrical dyschromatosis of extremities (DSH). Also called: RETICULATE ACROPIGMENTATION OF DOHI; Dyschromatosis symmetrica hereditaria; DYSCHROMATOSIS SYMMETRICA HEREDITARIA 1; SYMMETRIC DYSCHROMATOSIS OF THE EXTREMITIES. Identifiers: Orphanet 41, MedGen C0406775, MONDO:0007483, OMIM 127400.

Submission:

Labcorp Genetics (formerly Invitae), Labcorp
Classification: Uncertain significance for Aicardi-Goutieres syndrome 6; Symmetrical dyschromatosis of extremities. Last evaluated: 2021-11-30. Review status: criteria provided, single submitter. Criteria: Invitae Variant Classification Sherloc (09022015). Collection method: clinical testing. Allele origin: germline.
Comment: This variant is not present in population databases (gnomAD no frequency). This sequence change replaces arginine, which is basic and polar, with glycine, which is neutral and non-polar, at codon 1096 of the ADAR protein (p.Arg1096Gly). This variant has not been reported in the literature in individuals affected with ADAR-related conditions. In summary, the available evidence is currently insufficient to determine the role of this variant in disease. Therefore, it has been classified as a Variant of Uncertain Significance. Algorithms developed to predict the effect of missense changes on protein structure and function are either unavailable or do not agree on the potential impact of this missense change (SIFT: "Tolerated"; PolyPhen-2: "Possibly Damaging"; Align-GVGD: "Class C0").